The following is an entry in ClinVar:

ClinVar aggregate classification (germline): Conflicting classifications of pathogenicity. Review status: criteria provided, conflicting classifications (1 of 4 stars). 4 submissions from 4 submitters: Likely pathogenic (1); Uncertain significance (3). Last evaluated 2025-09-09.

Conditions:
Joubert syndrome. Also called: CEREBELLOPARENCHYMAL DISORDER IV; JOUBERT-BOLTSHAUSER SYNDROME; Familial aplasia of the vermis. Identifiers: Orphanet 475, MedGen C5979921, MONDO:0018772.
Meckel-Gruber syndrome. Also called: DYSENCEPHALIA SPLANCHNOCYSTICA; GRUBER SYNDROME; Dysencephalia splachnocystica. Identifiers: Orphanet 564, MedGen C0265215, MONDO:0018921.
Meckel syndrome, type 5 (MKS5). Identifiers: Orphanet 564, MedGen C1969052, MONDO:0012695, OMIM 611561.

Allele frequency attached by ClinVar (database versions not stated): gnomAD 0.00002; gnomAD exomes 0.00003; ExAC 0.00004.

Submissions (4):

Women's Health and Genetics/Laboratory Corporation of America, LabCorp
Classification: Uncertain significance. Last evaluated: 2025-09-09. Review status: criteria provided, single submitter. Criteria: LabCorp Variant Classification Summary - May 2015. Collection method: clinical testing. Allele origin: germline.
Comment: Variant summary: RPGRIP1L c.3811_3812insT (p.Asp1271ValfsX4) results in a premature termination codon, and is not predicted to undergo nonsense mediated decay, but is expected to cause a truncation of the encoded protein. The variant allele was found at a frequency of 5.6e-05 in 251402 control chromosomes. This frequency is not significantly higher than estimated for disease-causing variants in RPGRIP1L, allowing no conclusion about variant significance. c.3811_3812insT has been observed in a compound heterozygous individual affected with Joubert Syndrome (e.g. Devi_2020). These data do not allow any conclusion about variant significance. To our knowledge, no experimental evidence demonstrating an impact on protein function has been reported and no pathogenic variants have been reported downstream of this variant. The following publication has been ascertained in the context of this evaluation (PMID: 32139166). ClinVar contains an entry for this variant (Variation ID: 2147914). Based on the evidence outlined above, the variant was classified as uncertain significance.

Revvity Omics, Revvity
Classification: Uncertain significance. Last evaluated: 2023-10-30. Review status: criteria provided, single submitter. Criteria: ACMG Guidelines, 2015. Collection method: clinical testing. Allele origin: germline.

Labcorp Genetics (formerly Invitae), Labcorp
Classification: Uncertain significance for Joubert syndrome; Meckel-Gruber syndrome. Last evaluated: 2022-06-09. Review status: criteria provided, single submitter. Criteria: Invitae Variant Classification Sherloc (09022015). Collection method: clinical testing. Allele origin: germline.
Comment: This sequence change creates a premature translational stop signal (p.Asp1271Valfs*4) in the RPGRIP1L gene. While this is not anticipated to result in nonsense mediated decay, it is expected to disrupt the last 45 amino acid(s) of the RPGRIP1L protein. This variant is present in population databases (rs776673720, gnomAD 0.05%). This variant has not been reported in the literature in individuals affected with RPGRIP1L-related conditions. Algorithms developed to predict the effect of sequence changes on RNA splicing suggest that this variant may create or strengthen a splice site. In summary, the available evidence is currently insufficient to determine the role of this variant in disease. Therefore, it has been classified as a Variant of Uncertain Significance.

Neuberg Centre For Genomic Medicine, NCGM
Classification: Likely pathogenic for Meckel syndrome, type 5. Review status: criteria provided, single submitter. Criteria: ACMG Guidelines, 2015. Collection method: clinical testing. Allele origin: germline. Inheritance: Autosomal recessive inheritance. Affected: yes.
Comment: The frame shift variant c.3811_3812insT (p.Asp1271ValfsTer4) has not been reported previously as a pathogenic variant nor as a benign variant, to our knowledge. The p.Asp1271ValfsTer4 variant is reported with the allele frequency of 0.005569% in gnomAD and is novel (not in any individuals) in1000 Genomes. This variant has not been reported to the ClinVar database. This variant causes a frameshift starting with codon Aspartic Acid 1271, changes this amino acid to Valine residue, and creates a premature Stop codon at position 4 of the new reading frame, denoted p.Asp1271ValfsTer4. This variant is predicted to cause loss of normal protein function through protein truncation. Loss of function variants have been previously reported to be disease causing. For these reasons, this variant has been classified as Likely Pathogenic.

Literature cited by the submitters: PubMed 32139166 (cited by Women's Health and Genetics/Laboratory Corporation of America, LabCorp).

NM_015272.5(RPGRIP1L):c.3811_3812insT (p.Asp1271fs)

Gene: RPGRIP1L (RPGRIP1 like; minus strand). Cytogenetic location: 16q12.2.
Variant type: Insertion.
Coding change: c.3811_3812insT on transcript NM_015272.5 (MANE Select); coding-DNA positions 3811 to 3812, T inserted.
Protein change: p.Asp1271fs; shifts the reading frame from aspartic acid 1271.
Molecular consequence: frameshift variant.
Genome position: GRCh38 VCF-style: chr16-53605504-T-TA. GRCh37 (hg19) VCF-style: chr16-53639416-T-TA.
Other names: c.3571_3572insT, p.Asp1191fs (NM_001127897.4); c.3673_3674insT, p.Asp1225fs (NM_001308334.3); c.3709_3710insT, p.Asp1237fs (NM_001330538.2); short protein forms D1225fs, D1191fs, D1237fs, D1271fs.
Identifiers: ClinVar variation 2147914 (VCV002147914.4), dbSNP rs776673720, ClinGen allele CA8057176.